The following is an entry in ClinVar:

NM_001903.5(CTNNA1):c.2164A>G (p.Ile722Val)

Gene: CTNNA1 (catenin alpha 1; plus strand). Cytogenetic location: 5q31.2.
Variant type: single nucleotide variant.
Coding change: c.2164A>G on transcript NM_001903.5 (MANE Select); coding-DNA position 2164, A replaced by G.
Protein change: p.Ile722Val; replaces isoleucine 722 with valine.
Molecular consequence: missense variant.
Genome position (GRCh38, 1-based): chr5:138,930,626, A>G. VCF-style: chr5-138930626-A-G. GRCh37 (hg19) VCF-style: chr5-138266315-A-G.
Other names: c.2164A>G, p.Ile722Val (NM_001290307.3, NM_001323982.2, NM_001323983.1 and 2 more transcripts); c.1855A>G, p.Ile619Val (NM_001290309.3); c.1795A>G, p.Ile599Val (NM_001290310.3); c.1054A>G, p.Ile352Val (NM_001290312.1, NM_001323987.1, NM_001323988.1 and 17 more transcripts); c.2071A>G, p.Ile691Val (NM_001323986.2); c.715A>G, p.Ile239Val (NM_001324006.1, NM_001324007.1, NM_001324008.1 and 2 more transcripts); c.961A>G, p.Ile321Val (NM_001324011.1); c.811A>G, p.Ile271Val (NM_001324012.1, NM_001324013.1); short protein forms I321V, I599V, I619V, I691V, I271V, I722V, I352V, I239V.
Identifiers: ClinVar variation 3270094 (VCV003270094.1).

ClinVar aggregate classification (germline): Uncertain significance (1 of 4 stars; one submission).

Conditions:
Hereditary cancer-predisposing syndrome. Also called: Tumor predisposition; Hereditary Cancer Syndrome; Hereditary neoplastic syndrome; Neoplastic Syndromes, Hereditary. Identifiers: Orphanet 140162, MedGen C0027672, MeSH D009386, MONDO:0015356.

Submission:

Ambry Genetics
Classification: Uncertain significance for Hereditary cancer-predisposing syndrome. Last evaluated: 2024-04-10. Review status: criteria provided, single submitter. Criteria: Ambry Variant Classification Scheme 2023. Collection method: clinical testing. Allele origin: germline.
Comment: The p.I722V variant (also known as c.2164A>G), located in coding exon 14 of the CTNNA1 gene, results from an A to G substitution at nucleotide position 2164. The isoleucine at codon 722 is replaced by valine, an amino acid with highly similar properties. This amino acid position is conserved. In addition, this alteration is predicted to be tolerated by in silico analysis. Based on the available evidence, the clinical significance of this variant remains unclear.